The following is an entry in ClinVar:

NM_001244710.2(GFPT1):c.2005A>T (p.Ile669Phe)

Gene: GFPT1 (glutamine--fructose-6-phosphate transaminase 1; minus strand). Cytogenetic location: 2p13.3.
Variant type: single nucleotide variant.
Coding change: c.2005A>T on transcript NM_001244710.2 (MANE Select); coding-DNA position 2005, A replaced by T.
Protein change: p.Ile669Phe; replaces isoleucine 669 with phenylalanine.
Molecular consequence: missense variant.
Genome position (GRCh38, 1-based): chr2:69,326,964, T>A on the plus strand (A>T on the coding strand, the complement: GFPT1 is on the minus strand). VCF-style: chr2-69326964-T-A. GRCh37 (hg19) VCF-style: chr2-69554096-T-A.
Other names: c.1951A>T, p.Ile651Phe (NM_002056.4); short protein forms I651F, I669F.
Identifiers: ClinVar variation 1516654 (VCV001516654.9), dbSNP rs2104595390, ClinGen allele CA347421473.
Genomic context (GRCh38, chr2:69,326,964, plus strand): 5'-GATGACTTACATCATAGCCTCTCAGCACAGCAAGGTGGAAAGCCAGCAACTGTAAAGGGA[T>A]CACGCTGAGAATGCCCTGCAAGCAGTCCACTGAGTGGGGCACCTTGATCGTTCTTTTTGT-3'
Protein context (NP_001231639.1, residues 659-679): VDCLQGILSV[Ile669Phe]PLQLLAFHLA

ClinVar aggregate classification (germline): Uncertain significance. Review status: criteria provided, multiple submitters, no conflicts (2 of 4 stars). 2 submissions from 2 submitters: Uncertain significance (2). Last evaluated 2026-08-06.

Conditions:
Congenital myasthenic syndrome 12 (CMS12). Also called: MYASTHENIC SYNDROME, CONGENITAL, WITH TUBULAR AGGREGATES 1; Myasthenia, congenital, 12, with tubular aggregates. Identifiers: Orphanet 353327, Orphanet 590, MedGen C3552335, MONDO:0012518, OMIM 610542.

Submissions (2):

OLLIN Analises Genomicas, OLLIN
Classification: Uncertain significance for Congenital myasthenic syndrome 12. Last evaluated: 2026-08-06. Review status: criteria provided, single submitter. Criteria: ACMG Guidelines 2015 PMID 25741868. Collection method: clinical testing. Allele origin: germline. Inheritance: Autosomal recessive inheritance.
Comment: This missense variant, located in exon 19 (of 20), is absent from gnomAD and has not been identified in the literature. However, it has been reported in ClinVar (accession VCV001516654.8). In silico analysis predicts that this variant has a deleterious effect. This gene is constrained for missense variation. According to the currently available evidence, this variant has been classified as uncertain significance (PM2_P, PP2, PP3_M).

Labcorp Genetics (formerly Invitae), Labcorp
Classification: Uncertain significance for Congenital myasthenic syndrome 12. Last evaluated: 2021-06-30. Review status: criteria provided, single submitter. Criteria: Invitae Variant Classification Sherloc (09022015). Collection method: clinical testing. Allele origin: germline.
Comment: This sequence change replaces isoleucine with phenylalanine at codon 669 of the GFPT1 protein (p.Ile669Phe). The isoleucine residue is highly conserved and there is a small physicochemical difference between isoleucine and phenylalanine. In summary, the available evidence is currently insufficient to determine the role of this variant in disease. Therefore, it has been classified as a Variant of Uncertain Significance. Algorithms developed to predict the effect of missense changes on protein structure and function are either unavailable or do not agree on the potential impact of this missense change (SIFT: "Deleterious"; PolyPhen-2: "Probably Damaging"; Align-GVGD: "Class C0"). This variant has not been reported in the literature in individuals affected with GFPT1-related conditions. This variant is not present in population databases (ExAC no frequency).